The following is an entry in ClinVar:

ClinVar aggregate classification (germline): Uncertain significance (1 of 4 stars; one submission).

Submission:

GeneDx
Classification: Uncertain significance. Last evaluated: 2021-03-26. Review status: criteria provided, single submitter. Criteria: GeneDx Variant Classification Process June 2021. Collection method: clinical testing. Allele origin: germline. Affected: yes.
Comment: In silico analysis, which includes protein predictors and evolutionary conservation, supports a deleterious effect; Has not been previously published as pathogenic or benign to our knowledge

NM_016373.4(WWOX):c.28G>T (p.Asp10Tyr)

Gene: WWOX (WW domain containing oxidoreductase; plus strand). Cytogenetic location: 16q23.1.
Variant type: single nucleotide variant.
Coding change: c.28G>T on transcript NM_016373.4 (MANE Select); coding-DNA position 28, G replaced by T.
Protein change: p.Asp10Tyr; replaces aspartic acid 10 with tyrosine.
Molecular consequence: missense variant. On other transcripts: 5 prime UTR variant (1), non-coding transcript variant (2).
Genome position (GRCh38, 1-based): chr16:78,099,806, G>T. VCF-style: chr16-78099806-G-T. GRCh37 (hg19) VCF-style: chr16-78133703-G-T.
Other names: c.-247G>T (NM_001291997.2); c.28G>T, p.Asp10Tyr (NM_130791.5); short protein forms D10Y.
Identifiers: ClinVar variation 1315658 (VCV001315658.2), dbSNP rs781180473, ClinGen allele CA396841775.
Genomic context (GRCh38, chr16:78,099,806, plus strand): 5'-CGATAGGGGGGCCAGGTGCCTCCACAGTCAGCCATGGCAGCGCTGCGCTACGCGGGGCTG[G>T]ACGACACGGACAGTGAGGACGAGCTGCCTCCGGGCTGGGAGGAGAGAACCACCAAGGACG-3'
Protein context (NP_057457.1, residues 1-20): MAALRYAGL[Asp10Tyr]DTDSEDELPP